The following is an entry in ClinVar:

ClinVar aggregate classification (germline): Uncertain significance. Review status: criteria provided, multiple submitters, no conflicts (2 of 4 stars). 2 submissions from 2 submitters: Uncertain significance (2). Last evaluated 2024-12-04.

Conditions:
Emery-Dreifuss muscular dystrophy (EDMD). Also called: Scapuloperoneal syndrome, X-linked (formerly); Humeroperoneal neuromuscular disease, (formerly). Identifiers: Orphanet 261, MedGen C0410189, MONDO:0016830.

Allele frequency attached by ClinVar (database versions not stated): TOPMed below 0.00001.
gnomAD v4.1: 3 of 1,613,764 alleles (0.00019%); highest among the groups gnomAD compares: Non-Finnish European, 0.000085%; no homozygotes.

Submissions (2):

Ambry Genetics
Classification: Uncertain significance. Last evaluated: 2024-12-04. Review status: criteria provided, single submitter. Criteria: Ambry Variant Classification Scheme 2023. Collection method: clinical testing. Allele origin: germline.

Labcorp Genetics (formerly Invitae), Labcorp
Classification: Uncertain significance for Emery-Dreifuss muscular dystrophy. Last evaluated: 2022-06-30. Review status: criteria provided, single submitter. Criteria: Invitae Variant Classification Sherloc (09022015). Collection method: clinical testing. Allele origin: germline.
Comment: In summary, the available evidence is currently insufficient to determine the role of this variant in disease. Therefore, it has been classified as a Variant of Uncertain Significance. Algorithms developed to predict the effect of missense changes on protein structure and function are either unavailable or do not agree on the potential impact of this missense change (SIFT: "Deleterious"; PolyPhen-2: "Probably Damaging"; Align-GVGD: "Class C15"). This sequence change replaces arginine, which is basic and polar, with cysteine, which is neutral and slightly polar, at codon 614 of the SUN2 protein (p.Arg614Cys). This variant is present in population databases (rs182710324, gnomAD no frequency). This variant has not been reported in the literature in individuals affected with SUN2-related conditions.

NM_015374.3(SUN2):c.1840C>T (p.Arg614Cys)

Genes: GTPBP1 (GTP binding protein 1; plus strand), SUN2 (Sad1 and UNC84 domain containing 2; minus strand). Cytogenetic location: 22q13.1.
Variant type: single nucleotide variant.
Coding change: c.1840C>T on transcript NM_015374.3 (MANE Select); coding-DNA position 1840, C replaced by T.
Protein change: p.Arg614Cys; replaces arginine 614 with cysteine.
Molecular consequence: missense variant.
Genome position (GRCh38, 1-based): chr22:38,738,694, G>A on the plus strand (C>T on the coding strand, the complement: SUN2 is on the minus strand). VCF-style: chr22-38738694-G-A. GRCh37 (hg19) VCF-style: chr22-39134699-G-A.
Other names: c.1840C>T (NM_015374.2); c.1903C>T, p.Arg635Cys (NM_001199579.2, NM_001394428.1); c.1840C>T, p.Arg614Cys (NM_001199580.2, NM_001394431.1, NM_001394432.1 and 3 more transcripts); c.1933C>T, p.Arg645Cys (NM_001394427.1); c.1885C>T, p.Arg629Cys (NM_001394429.1, NM_001394430.1); c.1837C>T, p.Arg613Cys (NM_001394436.1, NM_001394437.1); c.1750C>T, p.Arg584Cys (NM_001394438.1); c.1702C>T, p.Arg568Cys (NM_001394439.1, NM_001394440.1, NM_001394441.1); and 3 more; short protein forms R613C, R614C, R635C, R450C, R584C, R422C, R481C, R568C.
Identifiers: ClinVar variation 2036436 (VCV002036436.5), dbSNP rs182710324, ClinGen allele CA10235409.